The following is an entry in ClinVar:

ClinVar aggregate classification (germline): Benign (0 of 4 stars; one submission).

Conditions:
DENND4B-related disorder. Also called: DENND4B-related condition.

Allele frequency attached by ClinVar (database versions not stated): gnomAD exomes 0.00110; ExAC 0.00268; gnomAD 0.00792; ESP Exome Variant Server 0.00837; TOPMed 0.00846; 1000 Genomes Project 30x 0.00937; 1000 Genomes Project 0.00938.
gnomAD v4.1: 2,828 of 1,612,892 alleles (0.18%); highest among the groups gnomAD compares: African/African-American, 2.6%; 27 homozygotes.

Submission:

PreventionGenetics, part of Exact Sciences
Classification: Benign for DENND4B-related condition. Last evaluated: 2019-10-28. Review status: no assertion criteria provided. Collection method: clinical testing. Allele origin: germline.
Comment: This variant is classified as benign based on ACMG/AMP sequence variant interpretation guidelines (Richards et al. 2015 PMID: 25741868, with internal and published modifications).

NM_014856.3(DENND4B):c.843G>A (p.Ala281=)

Gene: DENND4B (DENN domain containing 4B; minus strand). Cytogenetic location: 1q21.3.
Variant type: single nucleotide variant.
Coding change: c.843G>A on transcript NM_014856.3 (MANE Select); coding-DNA position 843, G replaced by A.
Protein change: p.Ala281=; no amino-acid change (alanine 281 retained).
Molecular consequence: synonymous variant.
Genome position (GRCh38, 1-based): chr1:153,942,081, C>T on the plus strand (G>A on the coding strand, the complement: DENND4B is on the minus strand). VCF-style: chr1-153942081-C-T. GRCh37 (hg19) VCF-style: chr1-153914557-C-T.
Other names: c.876G>A, p.Ala292= (NM_001367466.1).
Identifiers: ClinVar variation 3045601 (VCV003045601.2), dbSNP rs76818957, ClinGen allele CA1121874.